The following is an entry in ClinVar:

ClinVar aggregate classification (germline): Uncertain significance (1 of 4 stars; one submission).

Submission:

Dasa
Classification: Uncertain significance. Last evaluated: 2026-04-26. Review status: criteria provided, single submitter. Criteria: DASA Assertion Criteria. Collection method: clinical testing. Allele origin: germline.
Comment: NM_002112.4(HDC):c.1282G>C (p.Ala428Pro) is a missense variant that results in the substitution of alanine with proline. This variant is rare in population databases. The currently available literature and clinical evidence are not sufficient to establish a definitive association between this variant and the reported condition. Therefore, this variant is classified as a variant of uncertain significance.

NM_002112.4(HDC):c.1282G>C (p.Ala428Pro)

Gene: HDC (histidine decarboxylase; minus strand). Cytogenetic location: 15q21.2.
Variant type: single nucleotide variant.
Coding change: c.1282G>C on transcript NM_002112.4 (MANE Select); coding-DNA position 1282, G replaced by C.
Protein change: p.Ala428Pro; replaces alanine 428 with proline.
Molecular consequence: missense variant.
Genome position (GRCh38, 1-based): chr15:50,242,967, C>G on the plus strand (G>C on the coding strand, the complement: HDC is on the minus strand). VCF-style: chr15-50242967-C-G. GRCh37 (hg19) VCF-style: chr15-50535164-C-G.
Other names: c.1183G>C, p.Ala395Pro (NM_001306146.2); short protein forms A395P, A428P.
Identifiers: ClinVar variation 4883075 (VCV004883075.2).